The following is an entry in ClinVar:

NM_015040.4(PIKFYVE):c.*1923A>G

Gene: PIKFYVE (phosphoinositide kinase, FYVE-type zinc finger containing; plus strand). Cytogenetic location: 2q34.
Variant type: single nucleotide variant.
Coding change: c.*1923A>G on transcript NM_015040.4 (MANE Select); 1923 bases downstream of the stop codon, A replaced by G.
Molecular consequence: 3 prime UTR variant.
Genome position (GRCh38, 1-based): chr2:208,357,228, A>G. VCF-style: chr2-208357228-A-G. GRCh37 (hg19) VCF-style: chr2-209221952-A-G.
Identifiers: ClinVar variation 333961 (VCV000333961.5), dbSNP rs151104146, ClinGen allele CA10613868.

ClinVar aggregate classification (germline): Benign (1 of 4 stars; one submission).

Conditions:
Fleck corneal dystrophy (CFD). Also called: CORNEAL DYSTROPHY, FRANCOIS-NEETENS SPECKLED OR FLECKED. Identifiers: Orphanet 98970, MedGen C1562113, MONDO:0007376, OMIM 121850.

Allele frequency attached by ClinVar (database versions not stated): 1000 Genomes Project 30x 0.00047; 1000 Genomes Project 0.00060; gnomAD 0.00125 and 0.00138; TOPMed 0.00131.

Submission:

Illumina Laboratory Services, Illumina
Classification: Benign for Fleck corneal dystrophy. Last evaluated: 2018-01-13. Review status: criteria provided, single submitter. Criteria: ICSL Variant Classification Criteria 13 December 2019. Collection method: clinical testing. Allele origin: germline.
Comment: This variant was observed in the ICSL laboratory as part of a predisposition screen in an ostensibly healthy population. It had not been previously curated by ICSL or reported in the Human Gene Mutation Database (HGMD: prior to June 1st, 2018), and was therefore a candidate for classification through an automated scoring system. Utilizing variant allele frequency, disease prevalence and penetrance estimates, and inheritance mode, an automated score was calculated to assess if this variant is too frequent to cause the disease. Based on the score and internal cut-off values, a variant classified as benign is not then subjected to further curation. The score for this variant resulted in a classification of benign for this disease.